The following is an entry in ClinVar:

ClinVar aggregate classification (germline): Likely pathogenic (1 of 4 stars; one submission).

Conditions:
Intellectual developmental disorder, autosomal dominant 55, with seizures. Also called: MENTAL RETARDATION, AUTOSOMAL DOMINANT 55, WITH SEIZURES; Intellectual disability, autosomal dominant 55, with seizures. Identifiers: MedGen C4693371, MONDO:0030921, OMIM 617831.

Submission:

Institute of Human Genetics, University of Leipzig Medical Center
Classification: Likely pathogenic for Intellectual developmental disorder, autosomal dominant 55, with seizures. Last evaluated: 2024-02-13. Review status: criteria provided, single submitter. Criteria: ACMG Guidelines, 2015. Collection method: clinical testing. Allele origin: unknown. Inheritance: Autosomal dominant inheritance. Affected: yes.
Comment: Criteria applied: PVS1,PM2_SUP

NM_138459.5(NUS1):c.439A>T (p.Arg147Ter)

Gene: NUS1 (NUS1 dehydrodolichyl diphosphate synthase subunit; plus strand). Cytogenetic location: 6q22.1.
Variant type: single nucleotide variant.
Coding change: c.439A>T on transcript NM_138459.5 (MANE Select); coding-DNA position 439, A replaced by T.
Protein change: p.Arg147Ter; replaces arginine 147 with a stop codon.
Molecular consequence: nonsense.
Genome position (GRCh38, 1-based): chr6:117,693,065, A>T. VCF-style: chr6-117693065-A-T. GRCh37 (hg19) VCF-style: chr6-118014228-A-T.
Other names: short protein forms R147*.
Identifiers: ClinVar variation 3024536 (VCV003024536.2), dbSNP rs2482014062, ClinGen allele CA365536652.
Genomic context (GRCh38, chr6:117,693,065, plus strand): 5'-CCTAGTTGTGTTTTACTTGCCTTTTTCTTTTTTAAAGGTATTTTCAAAAGAAATAATTCC[A>T]GATTGATGGATGAAATTTTAAAACAACAGCAAGAACTTCTGGGCCTAGATTGTTCAAAAT-3'